The following is an entry in ClinVar:

NM_014714.4(IFT140):c.2177C>A (p.Pro726His)

Gene: IFT140 (intraflagellar transport 140; minus strand). Cytogenetic location: 16p13.3.
Variant type: single nucleotide variant.
Coding change: c.2177C>A on transcript NM_014714.4 (MANE Select); coding-DNA position 2177, C replaced by A.
Protein change: p.Pro726His; replaces proline 726 with histidine.
Molecular consequence: missense variant.
Genome position (GRCh38, 1-based): chr16:1,562,007, G>T on the plus strand (C>A on the coding strand, the complement: IFT140 is on the minus strand). VCF-style: chr16-1562007-G-T. GRCh37 (hg19) VCF-style: chr16-1612008-G-T.
Other names: short protein forms P726H.
Identifiers: ClinVar variation 955106 (VCV000955106.9), dbSNP rs1417500285, ClinGen allele CA394203213.

ClinVar aggregate classification (germline): Uncertain significance (1 of 4 stars; one submission).

Conditions:
Saldino-Mainzer syndrome (SRTD9). Also called: CONORENAL SYNDROME; SHORT-RIB THORACIC DYSPLASIA 9 WITHOUT POLYDACTYLY; short-rib thoracic dysplasia 9 with or without polydactyly; Renal dysplasia, retinal pigmentary dystrophy, cerebellar ataxia and skeletal dysplasia. Identifiers: Orphanet 140969, MedGen C1849437, MONDO:0009964, OMIM 266920.

Submission:

Labcorp Genetics (formerly Invitae), Labcorp
Classification: Uncertain significance for Saldino-Mainzer syndrome. Last evaluated: 2019-09-18. Review status: criteria provided, single submitter. Criteria: Invitae Variant Classification Sherloc (09022015). Collection method: clinical testing. Allele origin: germline.
Comment: Algorithms developed to predict the effect of missense changes on protein structure and function are either unavailable or do not agree on the potential impact of this missense change (SIFT: "Deleterious"; PolyPhen-2: "Probably Damaging"; Align-GVGD: "Class C0"). In summary, the available evidence is currently insufficient to determine the role of this variant in disease. Therefore, it has been classified as a Variant of Uncertain Significance. This variant has not been reported in the literature in individuals with IFT140-related conditions. This variant is not present in population databases (ExAC no frequency). This sequence change replaces proline with histidine at codon 726 of the IFT140 protein (p.Pro726His). The proline residue is highly conserved and there is a moderate physicochemical difference between proline and histidine.